The following is an entry in ClinVar:

ClinVar aggregate classification (germline): Pathogenic/Likely pathogenic. Review status: criteria provided, multiple submitters, no conflicts (2 of 4 stars). 4 submissions from 4 submitters: Pathogenic (2); Likely pathogenic (2). Last evaluated 2026-03-04.

Conditions:
Charcot-Marie-Tooth disease type 2E (CMT2E). Also called: CHARCOT-MARIE-TOOTH DISEASE, AXONAL, TYPE 2E; CHARCOT-MARIE-TOOTH NEUROPATHY, TYPE 2E. Identifiers: Orphanet 99939, MedGen C1843225, MONDO:0011894, OMIM 607684.
Charcot-Marie-Tooth disease type 1F. Also called: Charcot-Marie-Tooth disease, demyelinating, type 1f; CHARCOT-MARIE-TOOTH NEUROPATHY, TYPE 1F. Identifiers: Orphanet 101085, MedGen C1843164, MONDO:0011902, OMIM 607734.

Allele frequency attached by ClinVar (database versions not stated): gnomAD exomes below 0.00001; TOPMed 0.00001.

Submissions (4):

GeneDx
Classification: Likely pathogenic. Last evaluated: 2026-03-04. Review status: criteria provided, single submitter. Criteria: GeneDx Variant Classification Process June 2021. Collection method: clinical testing. Allele origin: germline.
Comment: Reported 1/18994 patients with rare Mendelian disorders; however, clinical information was not provided (PMID: 39843441); Not observed at significant frequency in large population cohorts (gnomAD); Nonsense variant predicted to result in protein truncation or nonsense mediated decay in a gene for which loss of function is a known mechanism of disease; This variant is associated with the following publications: (PMID: 39843441)

Labcorp Genetics (formerly Invitae), Labcorp
Classification: Pathogenic for Charcot-Marie-Tooth disease type 2E. Last evaluated: 2024-09-23. Review status: criteria provided, single submitter. Criteria: Invitae Variant Classification Sherloc (09022015). Collection method: clinical testing. Allele origin: germline.
Comment: This sequence change creates a premature translational stop signal (p.Arg399*) in the NEFL gene. It is expected to result in an absent or disrupted protein product. Loss-of-function variants in NEFL are known to be pathogenic (PMID: 19158810, 20039262). The frequency data for this variant in the population databases is considered unreliable, as metrics indicate poor data quality at this position in the gnomAD database. This variant has not been reported in the literature in individuals affected with NEFL-related conditions. ClinVar contains an entry for this variant (Variation ID: 444742). For these reasons, this variant has been classified as Pathogenic.

3billion
Classification: Pathogenic for Charcot-Marie-Tooth disease type 1F. Last evaluated: 2022-05-22. Review status: criteria provided, single submitter. Criteria: ACMG Guidelines, 2015. Collection method: clinical testing. Allele origin: germline. Affected: yes. Observed: 1 homozygote.
Comment: The variant is observed at an extremely low frequency in the gnomAD v2.1.1 dataset (total allele frequency: <0.001%). Stop-gained (nonsense): predicted to result in a loss or disruption of normal protein function through nonsense-mediated decay (NMD) or protein truncation. Multiple pathogenic variants are reported downstream of the variant. The variant has been reported to be associated with NEFL related disorder (ClinVar ID: VCV000444742). Therefore, this variant is classified as pathogenic according to the recommendation of ACMG/AMP guideline.

CeGaT Center for Human Genetics Tuebingen
Classification: Likely pathogenic. Last evaluated: 2017-03-31. Review status: criteria provided, single submitter. Criteria: Praxis fuer Humangenetik Tuebingen - Variant Classification Criteria. Collection method: clinical testing. Allele origin: germline. Affected: yes. Observed: 1 variant allele.

Literature cited by the submitters: PubMed 19158810 (cited by Labcorp Genetics (formerly Invitae), Labcorp); PubMed 20039262 (cited by Labcorp Genetics (formerly Invitae), Labcorp).

NM_006158.5(NEFL):c.1195C>T (p.Arg399Ter)

Gene: NEFL (neurofilament light chain; minus strand). Cytogenetic location: 8p21.2.
Variant type: single nucleotide variant.
Coding change: c.1195C>T on transcript NM_006158.5 (MANE Select); coding-DNA position 1195, C replaced by T.
Protein change: p.Arg399Ter; replaces arginine 399 with a stop codon.
Molecular consequence: nonsense.
Genome position (GRCh38, 1-based): chr8:24,953,770, G>A on the plus strand (C>T on the coding strand, the complement: NEFL is on the minus strand). VCF-style: chr8-24953770-G-A. GRCh37 (hg19) VCF-style: chr8-24811284-G-A.
Other names: c.1195C>T (NM_006158.3); short protein forms R399*.
Identifiers: ClinVar variation 444742 (VCV000444742.7), dbSNP rs1429859627, ClinGen allele CA370620660.